The following is an entry in ClinVar:

NM_000368.5(TSC1):c.3372C>G (p.Asp1124Glu)

Gene: TSC1 (TSC complex subunit 1; minus strand). Cytogenetic location: 9q34.13.
Variant type: single nucleotide variant.
Coding change: c.3372C>G on transcript NM_000368.5 (MANE Select); coding-DNA position 3372, C replaced by G.
Protein change: p.Asp1124Glu; replaces aspartic acid 1124 with glutamic acid.
Molecular consequence: missense variant. On other transcripts: non-coding transcript variant (5).
Genome position (GRCh38, 1-based): chr9:132,896,358, G>C on the plus strand (C>G on the coding strand, the complement: TSC1 is on the minus strand). VCF-style: chr9-132896358-G-C. GRCh37 (hg19) VCF-style: chr9-135771745-G-C.
Other names: c.3369C>G, p.Asp1123Glu (NM_001162426.2, NM_001406597.1, NM_001406598.1 and 2 more transcripts); c.3219C>G, p.Asp1073Glu (NM_001162427.2, NM_001406610.1); c.3009C>G, p.Asp1003Glu (NM_001362177.2, NM_001406614.1, NM_001406615.1 and 4 more transcripts); c.3372C>G, p.Asp1124Glu (NM_001406592.1, NM_001406593.1, NM_001406594.1 and 2 more transcripts); c.3357C>G, p.Asp1119Glu (NM_001406601.1, NM_001406602.1); c.3354C>G, p.Asp1118Glu (NM_001406603.1, NM_001406604.1); c.3330C>G, p.Asp1110Glu (NM_001406605.1, NM_001406606.1, NM_001406607.1); c.3327C>G, p.Asp1109Glu (NM_001406608.1, NM_001406609.1); and 8 more; short protein forms D1003E, D1072E, D1118E, D1123E, D1124E, D773E, D1058E, D1119E.
Identifiers: ClinVar variation 2704039 (VCV002704039.3), dbSNP rs1845038773, ClinGen allele CA375366509.

ClinVar aggregate classification (germline): Uncertain significance (1 of 4 stars; one submission).

Conditions:
Tuberous sclerosis 1 (TSC1). Identifiers: Orphanet 805, MedGen C1854465, MONDO:0008612, OMIM 191100.

Allele frequency attached by ClinVar (database versions not stated): gnomAD exomes below 0.00001.
gnomAD v4.1: 4 of 1,614,224 alleles (0.00025%); highest among the groups gnomAD compares: Non-Finnish European, 0.00034%; no homozygotes.

Submission:

Labcorp Genetics (formerly Invitae), Labcorp
Classification: Uncertain significance for Tuberous sclerosis 1. Last evaluated: 2023-12-19. Review status: criteria provided, single submitter. Criteria: Invitae Variant Classification Sherloc (09022015). Collection method: clinical testing. Allele origin: germline.
Comment: This sequence change replaces aspartic acid, which is acidic and polar, with glutamic acid, which is acidic and polar, at codon 1124 of the TSC1 protein (p.Asp1124Glu). This variant is not present in population databases (gnomAD no frequency). This variant has not been reported in the literature in individuals affected with TSC1-related conditions. Advanced modeling of protein sequence and biophysical properties (such as structural, functional, and spatial information, amino acid conservation, physicochemical variation, residue mobility, and thermodynamic stability) performed at Invitae indicates that this missense variant is not expected to disrupt TSC1 protein function with a negative predictive value of 95%. In summary, the available evidence is currently insufficient to determine the role of this variant in disease. Therefore, it has been classified as a Variant of Uncertain Significance.